The following is an entry in ClinVar:

NM_002016.2(FLG):c.745dup (p.Ser249fs)

Genes: CCDST (cervical cancer associated DHX9 suppressive transcript; plus strand), FLG (filaggrin; minus strand). Cytogenetic location: 1q21.3.
Variant type: Duplication.
Coding change: c.745dup on transcript NM_002016.2 (MANE Select); coding-DNA position 745, one base duplicated (A; older notation c.745dupA).
Protein change: p.Ser249fs; shifts the reading frame from serine 249.
Molecular consequence: frameshift variant.
Genome position (GRCh38, 1-based): chr1:152,314,141, T duplicated on the plus strand (A on the coding strand, the reverse complement: FLG is on the minus strand). VCF-style (leftmost placement, unchanged base first): chr1-152314140-C-CT. GRCh37 (hg19) VCF-style: chr1-152286616-C-CT.
Other names: c.745dup (NM_002016.1); c.745dupA (NM_002016.1); short protein forms S249fs.
Identifiers: ClinVar variation 504441 (VCV000504441.5), dbSNP rs781280495, ClinGen allele CA1107921.

ClinVar aggregate classification (germline): Pathogenic (1 of 4 stars; one submission).

Allele frequency attached by ClinVar (database versions not stated): gnomAD exomes 0.00001 and 0.00005; gnomAD 0.00003; TOPMed below 0.00001; ExAC 0.00001.

Submission:

GeneDx
Classification: Pathogenic. Last evaluated: 2026-09-03. Review status: criteria provided, single submitter. Criteria: GeneDx Variant Classification Process June 2021. Collection method: clinical testing. Allele origin: germline.
Comment: Frameshift variant predicted to result in abnormal protein length as the last 3813 amino acid(s) are replaced with 9 different amino acid(s), and other similar variants have been reported in HGMD; Has not been previously published as pathogenic or benign to our knowledge; This variant is associated with the following publications: (PMID: 16444271)